The following is an entry in ClinVar:

NM_015570.4(AUTS2):c.1660G>A (p.Ala554Thr)

Gene: AUTS2 (activator of transcription and developmental regulator AUTS2; plus strand). Cytogenetic location: 7q11.22.
Variant type: single nucleotide variant.
Coding change: c.1660G>A on transcript NM_015570.4 (MANE Select); coding-DNA position 1660, G replaced by A.
Protein change: p.Ala554Thr; replaces alanine 554 with threonine.
Molecular consequence: missense variant.
Genome position (GRCh38, 1-based): chr7:70,766,305, G>A. VCF-style: chr7-70766305-G-A. GRCh37 (hg19) VCF-style: chr7-70231291-G-A.
Other names: c.1660G>A (NM_015570.2); c.1660G>A, p.Ala554Thr (NM_001127231.3); short protein forms A554T.
Identifiers: ClinVar variation 810096 (VCV000810096.45), dbSNP rs367855382, ClinGen allele CA4280718.

ClinVar aggregate classification (germline): Benign/Likely benign. Review status: criteria provided, multiple submitters, no conflicts (2 of 4 stars). 3 submissions from 3 submitters: Benign (1); Likely benign (2). Last evaluated 2025-10-01.

Conditions:
Inborn genetic diseases. Identifiers: MedGen C0950123, MeSH D030342.

Allele frequency attached by ClinVar (database versions not stated): gnomAD exomes 0.00004 and 0.00006; TOPMed 0.00006; ExAC 0.00007; gnomAD 0.00009; ESP Exome Variant Server 0.00023.
gnomAD v4.1: 74 of 1,613,912 alleles (0.0046%); highest among the groups gnomAD compares: Admixed American, 0.0067%; no homozygotes.

Submissions (3):

Ambry Genetics
Classification: Likely benign for Inborn genetic diseases. Last evaluated: 2025-10-01. Review status: criteria provided, single submitter. Criteria: Ambry Variant Classification Scheme 2023. Collection method: clinical testing. Allele origin: germline.

Labcorp Genetics (formerly Invitae), Labcorp
Classification: Benign. Last evaluated: 2025-04-30. Review status: criteria provided, single submitter. Criteria: Invitae Variant Classification Sherloc (09022015). Collection method: clinical testing. Allele origin: germline.

CeGaT Center for Human Genetics Tuebingen
Classification: Likely benign. Last evaluated: 2024-04-01. Review status: criteria provided, single submitter. Criteria: CeGaT Center For Human Genetics Tuebingen Variant Classification Criteria Version 2. Collection method: clinical testing. Allele origin: germline. Affected: yes. Observed: 4 variant alleles.
Comment: AUTS2: BS1